The following is an entry in ClinVar:

NM_020937.4(FANCM):c.293T>G (p.Ile98Ser)

Gene: FANCM (FA complementation group M; plus strand). Cytogenetic location: 14q21.2.
Variant type: single nucleotide variant.
Coding change: c.293T>G on transcript NM_020937.4 (MANE Select); coding-DNA position 293, T replaced by G.
Protein change: p.Ile98Ser; replaces isoleucine 98 with serine.
Molecular consequence: missense variant.
Genome position (GRCh38, 1-based): chr14:45,136,324, T>G. VCF-style: chr14-45136324-T-G. GRCh37 (hg19) VCF-style: chr14-45605527-T-G.
Other names: c.293T>G, p.Ile98Ser (NM_001308133.2, NM_001308134.2); short protein forms I98S.
Identifiers: ClinVar variation 4871067 (VCV004871067.1).

ClinVar aggregate classification (germline): Uncertain significance (1 of 4 stars; one submission).

Conditions:
Inborn genetic diseases. Identifiers: MedGen C0950123, MeSH D030342.

Submission:

Ambry Genetics
Classification: Uncertain significance for Inborn genetic diseases. Last evaluated: 2026-04-06. Review status: criteria provided, single submitter. Criteria: Ambry Variant Classification Scheme 2023. Collection method: clinical testing. Allele origin: germline.
Comment: The p.I98S variant (also known as c.293T>G), located in coding exon 1 of the FANCM gene, results from a T to G substitution at nucleotide position 293. The isoleucine at codon 98 is replaced by serine, an amino acid with dissimilar properties. This amino acid position is conserved. In addition, the in silico prediction for this alteration is inconclusive. Based on the available evidence, the clinical significance of this variant remains unclear.